The following is an entry in ClinVar:

ClinVar aggregate classification (germline): Uncertain significance (1 of 4 stars; one submission).

Conditions:
Inborn genetic diseases. Identifiers: MedGen C0950123, MeSH D030342.

Submission:

Ambry Genetics
Classification: Uncertain significance for Inborn genetic diseases. Last evaluated: 2025-01-05. Review status: criteria provided, single submitter. Criteria: Ambry Variant Classification Scheme 2023. Collection method: clinical testing. Allele origin: germline.
Comment: The p.P630A variant (also known as c.1888C>G), located in coding exon 11 of the FANCM gene, results from a C to G substitution at nucleotide position 1888. The proline at codon 630 is replaced by alanine, an amino acid with highly similar properties. This amino acid position is conserved. In addition, the in silico prediction for this alteration is inconclusive. Based on the available evidence, the clinical significance of this variant remains unclear.

NM_020937.4(FANCM):c.1888C>G (p.Pro630Ala)

Gene: FANCM (FA complementation group M; plus strand). Cytogenetic location: 14q21.2.
Variant type: single nucleotide variant.
Coding change: c.1888C>G on transcript NM_020937.4 (MANE Select); coding-DNA position 1888, C replaced by G.
Protein change: p.Pro630Ala; replaces proline 630 with alanine.
Molecular consequence: missense variant.
Genome position (GRCh38, 1-based): chr14:45,167,049, C>G. VCF-style: chr14-45167049-C-G. GRCh37 (hg19) VCF-style: chr14-45636252-C-G.
Other names: c.1810C>G, p.Pro604Ala (NM_001308133.2); c.1888C>G, p.Pro630Ala (NM_001308134.2); short protein forms P630A, P604A.
Identifiers: ClinVar variation 3848582 (VCV003848582.1).
Genomic context (GRCh38, chr14:45,167,049, plus strand): 5'-AAAGCTATTTCAAGTAACAGGCAGGTCCTTCATTTTTACCAAAGAAGTCCACGAATGGTT[C>G]CTGATGGAATCAACCCAAAATTACACAAAATGTTCATCACACATGGTGTCTATGAACCAG-3'
Protein context (NP_065988.1, residues 620-640): HFYQRSPRMV[Pro630Ala]DGINPKLHKM